The following is an entry in ClinVar:

NM_006231.4(POLE):c.1331T>A (p.Met444Lys)

Gene: POLE (DNA polymerase epsilon, catalytic subunit; minus strand). Cytogenetic location: 12q24.33.
Variant type: single nucleotide variant.
Coding change: c.1331T>A on transcript NM_006231.4 (MANE Select); coding-DNA position 1331, T replaced by A.
Protein change: p.Met444Lys; replaces methionine 444 with lysine.
Molecular consequence: missense variant.
Genome position (GRCh38, 1-based): chr12:132,673,603, A>T on the plus strand (T>A on the coding strand, the complement: POLE is on the minus strand). VCF-style: chr12-132673603-A-T. GRCh37 (hg19) VCF-style: chr12-133250189-A-T.
Other names: short protein forms M444K.
Identifiers: ClinVar variation 4746902 (VCV004746902.2).

ClinVar aggregate classification (germline): Conflicting classifications of pathogenicity. Review status: criteria provided, conflicting classifications (1 of 4 stars). 3 submissions from 3 submitters: Pathogenic (1); Uncertain significance (2). Last evaluated 2025-09-30.

Conditions:
Colorectal cancer, susceptibility to, 12 (CRCS12). Also called: COLORECTAL CANCER, SUSCEPTIBILITY TO, ON CHROMOSOME 12q24. Identifiers: Orphanet 220460, MedGen C3554460, MONDO:0014038, OMIM 615083.

Submissions (3):

Labcorp Genetics (formerly Invitae), Labcorp
Classification: Pathogenic. Last evaluated: 2025-09-30. Review status: criteria provided, single submitter. Criteria: Invitae Variant Classification Sherloc (09022015). Collection method: clinical testing. Allele origin: germline.
Comment: This sequence change replaces methionine, which is neutral and non-polar, with lysine, which is basic and polar, at codon 444 of the POLE protein (p.Met444Lys). This variant is not present in population databases (gnomAD no frequency). This missense change has been observed in individual(s) with POLE-related conditions (PMID: 34816535, 38231514; internal data). In at least one individual the variant was observed to be de novo. Invitae Evidence Modeling of protein sequence and biophysical properties (such as structural, functional, and spatial information, amino acid conservation, physicochemical variation, residue mobility, and thermodynamic stability) indicates that this missense variant is expected to disrupt POLE protein function with a positive predictive value of 80%. For these reasons, this variant has been classified as Pathogenic.

Institute for Genomic Medicine (IGM) Clinical Laboratory, Nationwide Children's Hospital
Classification: Uncertain significance for Colorectal cancer, susceptibility to, 12. Last evaluated: 2025-09-26. Review status: criteria provided, single submitter. Criteria: ACMG Guidelines, 2015. Collection method: clinical testing. Allele origin: germline.
Comment: This variant has been reported at an elevated frequency in affected individuals/in multiple affected individuals in the literature (ACMG/AMP: PS4_Supporting; PMIDs:34816535, 40680851). This variant is absent from or present at an exceedingly low frequency in gnomAD, a large-scale control population database (ACMG/AMP: PM2).

Blueprint Genetics
Classification: Uncertain significance. Last evaluated: 2020-09-01. Review status: criteria provided, single submitter. Criteria: ACMG Guidelines, 2015. Collection method: clinical testing. Allele origin: germline.

Literature cited by the submitters: PubMed 34816535 (cited by Labcorp Genetics (formerly Invitae), Labcorp and Institute for Genomic Medicine (IGM) Clinical Laboratory, Nationwide Children's Hospital); PubMed 38231514 (cited by Labcorp Genetics (formerly Invitae), Labcorp); PubMed 40680851 (cited by Institute for Genomic Medicine (IGM) Clinical Laboratory, Nationwide Children's Hospital).